The following is an entry in ClinVar:

NM_183235.3(RAB27A):c.167G>A (p.Ser56Asn)

Gene: RAB27A (RAB27A, member RAS oncogene family; minus strand). Cytogenetic location: 15q21.3.
Variant type: single nucleotide variant.
Coding change: c.167G>A on transcript NM_183235.3 (MANE Select); coding-DNA position 167, G replaced by A.
Protein change: p.Ser56Asn; replaces serine 56 with asparagine.
Molecular consequence: missense variant.
Genome position (GRCh38, 1-based): chr15:55,230,473, C>T on the plus strand (G>A on the coding strand, the complement: RAB27A is on the minus strand). VCF-style: chr15-55230473-C-T. GRCh37 (hg19) VCF-style: chr15-55522671-C-T.
Other names: c.167G>A, p.Ser56Asn (NM_004580.5, NM_183234.3, NM_183236.3); short protein forms S56N.
Identifiers: ClinVar variation 316650 (VCV000316650.18), dbSNP rs540520068, ClinGen allele CA7573675.
Genomic context (GRCh38, chr15:55,230,473, plus strand): 5'-GCTGTGTCCCATAACTGCAGGTGGATTCTCTGGCCTCTGCCAGTGGCTCCATCCGGCCCA[C>T]TGGCTCTGTACACCTAAAACAGCAAAGTGAAAGAGAAAACAAAAGAGAACTTCTAACACC-3'
Protein context (NP_899058.1, residues 46-66): FREKRVVYRA[Ser56Asn]GPDGATGRGQ

ClinVar aggregate classification (germline): Benign/Likely benign. Review status: criteria provided, multiple submitters, no conflicts (2 of 4 stars). 4 submissions from 4 submitters: Benign (1); Likely benign (3). Last evaluated 2026-01-08.

Conditions:
Autoinflammatory syndrome. Identifiers: Orphanet 93665, MedGen C3890737, MONDO:0019751.
Griscelli syndrome type 2 (GS2). Also called: GRISCELLI SYNDROME WITH HEMOPHAGOCYTIC SYNDROME; PAID SYNDROME; PARTIAL ALBINISM AND IMMUNODEFICIENCY SYNDROME. Identifiers: Orphanet 381, Orphanet 79477, MedGen C1868679, MONDO:0011872, OMIM 607624.

Allele frequency attached by ClinVar (database versions not stated): gnomAD below 0.00001 and 0.00013; TOPMed 0.00003; gnomAD exomes 0.00034 and 0.00069; 1000 Genomes Project 0.00080; ExAC 0.00081; 1000 Genomes Project 30x 0.00109.
gnomAD v4.1: 528 of 1,613,590 alleles (0.033%); highest among the groups gnomAD compares: South Asian, 0.52%; 7 homozygotes.

Submissions (4):

Labcorp Genetics (formerly Invitae), Labcorp
Classification: Benign for Griscelli syndrome type 2. Last evaluated: 2026-01-08. Review status: criteria provided, single submitter. Criteria: Invitae Variant Classification Sherloc (09022015). Collection method: clinical testing. Allele origin: germline.

Department of Pathology and Laboratory Medicine, Sinai Health System
Classification: Likely benign for Griscelli syndrome type 2. Last evaluated: 2022-12-12. Review status: criteria provided, single submitter. Criteria: ACMG Guidelines, 2015. Collection method: research. Allele origin: germline.

Illumina Laboratory Services, Illumina
Classification: Likely benign for Griscelli syndrome type 2. Last evaluated: 2018-01-12. Review status: criteria provided, single submitter. Criteria: ICSL Variant Classification Criteria 13 December 2019. Collection method: clinical testing. Allele origin: germline.
Comment: This variant was observed in the ICSL laboratory as part of a predisposition screen in an ostensibly healthy population. It had not been previously curated by ICSL or reported in the Human Gene Mutation Database (HGMD: prior to June 1st, 2018), and was therefore a candidate for classification through an automated scoring system. Utilizing variant allele frequency, disease prevalence and penetrance estimates, and inheritance mode, an automated score was calculated to assess if this variant is too frequent to cause the disease. Based on the score and internal cut-off values, a variant classified as likely benign is not then subjected to further curation. The score for this variant resulted in a classification of likely benign for this disease.

Genome Diagnostics Laboratory, The Hospital for Sick Children
Classification: Likely benign for Autoinflammatory syndrome. Last evaluated: 2017-05-16. Review status: criteria provided, single submitter. Criteria: ACMG Guidelines, 2015. Collection method: clinical testing. Allele origin: germline. Affected: yes.